The following is an entry in ClinVar:

NM_152773.5(DYNLT2B):c.188C>T (p.Pro63Leu)

Genes: DYNLT2B (dynein light chain Tctex-type 2B; minus strand), TM4SF19-DYNLT2B (TM4SF19-DYNLT2B readthrough (NMD candidate); minus strand). Cytogenetic location: 3q29.
Variant type: single nucleotide variant.
Coding change: c.188C>T on transcript NM_152773.5 (MANE Select); coding-DNA position 188, C replaced by T.
Protein change: p.Pro63Leu; replaces proline 63 with leucine.
Molecular consequence: missense variant. On other transcripts: non-coding transcript variant (1).
Genome position (GRCh38, 1-based): chr3:196,316,157, G>A on the plus strand (C>T on the coding strand, the complement: DYNLT2B is on the minus strand). VCF-style: chr3-196316157-G-A. GRCh37 (hg19) VCF-style: chr3-196043028-G-A.
Other names: c.188C>T, p.Pro63Leu (NM_001351628.2); short protein forms P63L.
Identifiers: ClinVar variation 4773202 (VCV004773202.1).
Genomic context (GRCh38, chr3:196,316,157, plus strand): 5'-CCTTTTAATTTATCTTTAATGTTTTCTGATAAATGTTTTGTAAGCTGAGGCATTTCTTCT[G>A]GAGAATATTCAGCATTTGCCAGTTCCTCCTTGAGCACAGCATGGATACAGTCTTTAACCA-3'
Protein context (NP_689986.2, residues 53-73): KEELANAEYS[Pro63Leu]EEMPQLTKHL

ClinVar aggregate classification (germline): Uncertain significance (1 of 4 stars; one submission).

gnomAD v4.1: 1 of 1,613,748 alleles (0.000062%); highest among the groups gnomAD compares: Non-Finnish European, 0.000085%; no homozygotes.

Submission:

Labcorp Genetics (formerly Invitae), Labcorp
Classification: Uncertain significance. Last evaluated: 2025-05-18. Review status: criteria provided, single submitter. Criteria: Invitae Variant Classification Sherloc (09022015). Collection method: clinical testing. Allele origin: germline.
Comment: This sequence change replaces proline, which is neutral and non-polar, with leucine, which is neutral and non-polar, at codon 63 of the TCTEX1D2 protein (p.Pro63Leu). This variant is not present in population databases (gnomAD no frequency). This variant has not been reported in the literature in individuals affected with TCTEX1D2-related conditions. An algorithm developed to predict the effect of missense changes on protein structure and function (PolyPhen-2) suggests that this variant is likely to be disruptive. In summary, the available evidence is currently insufficient to determine the role of this variant in disease. Therefore, it has been classified as a Variant of Uncertain Significance.